The following is an entry in ClinVar:

Single allele

Gene: PDE11A (phosphodiesterase 11A; minus strand). Cytogenetic location: 2q31.2.
Variant type: Duplication.
Identifiers: ClinVar variation 560139 (VCV000560139.3).

ClinVar aggregate classification (germline): Uncertain significance (1 of 4 stars; one submission).

Conditions:
Pigmented nodular adrenocortical disease, primary, 2 (PPNAD2). Also called: CUSHING SYNDROME, ADRENAL, DUE TO PPNAD2; PIGMENTED MICRONODULAR ADRENOCORTICAL DISEASE, PRIMARY, 2. Identifiers: Orphanet 189439, MedGen C1864851, MONDO:0012505, OMIM 610475.

Submission:

Geisinger Autism and Developmental Medicine Institute, Geisinger Health System
Classification: Uncertain significance for Pigmented nodular adrenocortical disease, primary, 2. Last evaluated: 2018-03-30. Review status: criteria provided, single submitter. Criteria: ACMG CNV Guidelines, 2011. Collection method: provider interpretation. Allele origin: unknown.
Comment: This duplication involves a portion of PDE11A. The clinical significance of the duplication of a portion of this gene is unclear at this time.

Literature cited by the submitters: PubMed 16767104.